The following is an entry in ClinVar:

ClinVar aggregate classification (germline): Likely benign (0 of 4 stars; one submission).

Conditions:
PTPRJ-related disorder. Also called: PTPRJ-related condition.

Submission:

PreventionGenetics, part of Exact Sciences
Classification: Likely benign for PTPRJ-related condition. Last evaluated: 2024-04-17. Review status: no assertion criteria provided. Collection method: clinical testing. Allele origin: germline.
Comment: This variant is classified as likely benign based on ACMG/AMP sequence variant interpretation guidelines (Richards et al. 2015 PMID: 25741868, with internal and published modifications).

NM_002843.4(PTPRJ):c.68TGC[5] (p.Leu28del)

Genes: PTPRJ (protein tyrosine phosphatase receptor type J; plus strand), LOC130005691 (ATAC-STARR-seq lymphoblastoid silent region 3339; plus strand). Cytogenetic location: 11p11.2.
Variant type: Microsatellite.
Coding change: c.68TGC[5] on transcript NM_002843.4 (MANE Select); five copies in a row of the 3-base unit TGC starting at c.68; the reference has six copies in a row; one copy, 3 bases deleted.
Protein change: p.Leu28del; deletes leucine 28.
Molecular consequence: inframe deletion.
Genome position (GRCh38, 1-based): chr11:47,980,995-47,980,997, TGC deleted; deleting any 3 consecutive bases within chr11:47,980,978-47,980,997 gives the same sequence; the position shown is the placement nearest the transcript's 3' end. VCF-style (leftmost placement, unchanged base first): chr11-47980977-CGCT-C. GRCh37 (hg19) VCF-style: chr11-48002529-CGCT-C.
Other names: c.68TGC[5], p.Leu28del (NM_001098503.2); short protein forms L28del.
Identifiers: ClinVar variation 3352648 (VCV003352648.1).